The following is an entry in ClinVar:

ClinVar aggregate classification (germline): Uncertain significance (1 of 4 stars; one submission).

gnomAD v4.1: 1 of 1,614,092 alleles (0.000062%); highest among the groups gnomAD compares: Non-Finnish European, 0.000085%; no homozygotes.

Submission:

Labcorp Genetics (formerly Invitae), Labcorp
Classification: Uncertain significance. Last evaluated: 2022-03-04. Review status: criteria provided, single submitter. Criteria: Invitae Variant Classification Sherloc (09022015). Collection method: clinical testing. Allele origin: germline.
Comment: This sequence change replaces aspartic acid, which is acidic and polar, with glycine, which is neutral and non-polar, at codon 252 of the DHX38 protein (p.Asp252Gly). In summary, the available evidence is currently insufficient to determine the role of this variant in disease. Therefore, it has been classified as a Variant of Uncertain Significance. Algorithms developed to predict the effect of missense changes on protein structure and function (SIFT, PolyPhen-2, Align-GVGD) all suggest that this variant is likely to be tolerated. This variant has not been reported in the literature in individuals affected with DHX38-related conditions. This variant is present in population databases (rs770959997, gnomAD 0.0009%).

NM_014003.4(DHX38):c.755A>G (p.Asp252Gly)

Gene: DHX38 (DEAH-box helicase 38; plus strand). Cytogenetic location: 16q22.2.
Variant type: single nucleotide variant.
Coding change: c.755A>G on transcript NM_014003.4 (MANE Select); coding-DNA position 755, A replaced by G.
Protein change: p.Asp252Gly; replaces aspartic acid 252 with glycine.
Molecular consequence: missense variant.
Genome position (GRCh38, 1-based): chr16:72,098,783, A>G. VCF-style: chr16-72098783-A-G. GRCh37 (hg19) VCF-style: chr16-72132682-A-G.
Other names: short protein forms D252G.
Identifiers: ClinVar variation 2105851 (VCV002105851.4), dbSNP rs770959997, ClinGen allele CA8160059.